The following is an entry in ClinVar:

NM_004525.3(LRP2):c.7138A>G (p.Lys2380Glu)

Gene: LRP2 (LDL receptor related protein 2; minus strand). Cytogenetic location: 2q31.1.
Variant type: single nucleotide variant.
Coding change: c.7138A>G on transcript NM_004525.3 (MANE Select); coding-DNA position 7138, A replaced by G.
Protein change: p.Lys2380Glu; replaces lysine 2380 with glutamic acid.
Molecular consequence: missense variant.
Genome position (GRCh38, 1-based): chr2:169,206,582, T>C on the plus strand (A>G on the coding strand, the complement: LRP2 is on the minus strand). VCF-style: chr2-169206582-T-C. GRCh37 (hg19) VCF-style: chr2-170063092-T-C.
Other names: short protein forms K2380E.
Identifiers: ClinVar variation 1376856 (VCV001376856.3), dbSNP rs2105332971, ClinGen allele CA349171477.

ClinVar aggregate classification (germline): Uncertain significance (1 of 4 stars; one submission).

Submission:

Labcorp Genetics (formerly Invitae), Labcorp
Classification: Uncertain significance. Last evaluated: 2021-08-22. Review status: criteria provided, single submitter. Criteria: Invitae Variant Classification Sherloc (09022015). Collection method: clinical testing. Allele origin: germline.
Comment: This sequence change replaces lysine with glutamic acid at codon 2380 of the LRP2 protein (p.Lys2380Glu). The lysine residue is moderately conserved and there is a small physicochemical difference between lysine and glutamic acid. This variant is not present in population databases (ExAC no frequency). This variant has not been reported in the literature in individuals affected with LRP2-related conditions. Advanced modeling of protein sequence and biophysical properties (such as structural, functional, and spatial information, amino acid conservation, physicochemical variation, residue mobility, and thermodynamic stability) performed at Invitae indicates that this missense variant is not expected to disrupt LRP2 protein function. In summary, the available evidence is currently insufficient to determine the role of this variant in disease. Therefore, it has been classified as a Variant of Uncertain Significance.